The following is an entry in ClinVar:

NM_152743.4(BRAT1):c.1013dup (p.Gly339fs)

Gene: BRAT1 (BRCA1 associated ATM activator 1; minus strand). Cytogenetic location: 7p22.3.
Variant type: Duplication.
Coding change: c.1013dup on transcript NM_152743.4 (MANE Select); coding-DNA position 1013, one base duplicated (C; older notation c.1013dupC).
Protein change: p.Gly339fs; shifts the reading frame from glycine 339.
Molecular consequence: frameshift variant. On other transcripts: non-coding transcript variant (1).
Genome position (GRCh38, 1-based): chr7:2,542,122, G duplicated on the plus strand (C on the coding strand, the reverse complement: BRAT1 is on the minus strand); the first of 5 consecutive G bases (chr7:2,542,122-2,542,126); duplicating any one gives the same sequence. VCF-style (leftmost placement, unchanged base first): chr7-2542121-T-TG. GRCh37 (hg19) VCF-style: chr7-2581755-T-TG.
Other names: c.1013dup, p.Gly339fs (NM_001350626.2); c.488dup, p.Gly164fs (NM_001350627.2); c.1013dupC (NM_152743.3); short protein forms G339fs, G164fs.
Identifiers: ClinVar variation 647546 (VCV000647546.1), dbSNP rs754341393, ClinGen allele CA4127976.

ClinVar aggregate classification (germline): Pathogenic (1 of 4 stars; one submission).

Conditions:
Neonatal-onset encephalopathy with rigidity and seizures. Also called: Lethal neonatal spasticity-epileptic encephalopathy syndrome. Identifiers: Orphanet 435845, MedGen C3281029, MONDO:0013784, OMIM 614498.

Submission:

Labcorp Genetics (formerly Invitae), Labcorp
Classification: Pathogenic for Rigidity and multifocal seizure syndrome, lethal neonatal. Last evaluated: 2018-07-21. Review status: criteria provided, single submitter. Criteria: Invitae Variant Classification Sherloc (09022015). Collection method: clinical testing. Allele origin: germline.
Comment: This sequence change creates a premature translational stop signal (p.Gly339Argfs*64) in the BRAT1 gene. It is expected to result in an absent or disrupted protein product. The frequency data for this variant in the population databases is considered unreliable, as metrics indicate poor data quality at this position in the ExAC database. This variant has not been reported in the literature in individuals with BRAT1-related disease. Loss-of-function variants in BRAT1 are known to be pathogenic (PMID: 22279524, 25500575). For these reasons, this variant has been classified as Pathogenic.